The following is an entry in ClinVar:

ClinVar aggregate classification (germline): Uncertain significance. Review status: criteria provided, multiple submitters, no conflicts (2 of 4 stars). 2 submissions from 2 submitters: Uncertain significance (2). Last evaluated 2024-11-11.

Conditions:
Hereditary cancer-predisposing syndrome. Also called: Tumor predisposition; Hereditary Cancer Syndrome; Neoplastic Syndromes, Hereditary; Hereditary neoplastic syndrome. Identifiers: Orphanet 140162, MedGen C0027672, MeSH D009386, MONDO:0015356.

Submissions (2):

Ambry Genetics
Classification: Uncertain significance for Hereditary cancer-predisposing syndrome. Last evaluated: 2024-11-11. Review status: criteria provided, single submitter. Criteria: Ambry Variant Classification Scheme 2023. Collection method: clinical testing. Allele origin: germline.
Comment: The p.C66Y variant (also known as c.197G>A), located in coding exon 2 of the BARD1 gene, results from a G to A substitution at nucleotide position 197. The cysteine at codon 66 is replaced by tyrosine, an amino acid with highly dissimilar properties. This amino acid position is conserved. In addition, this alteration is predicted to be deleterious by in silico analysis. Based on the available evidence, the clinical significance of this variant remains unclear.

Color Diagnostics, LLC DBA Color Health
Classification: Uncertain significance for Hereditary cancer-predisposing syndrome. Last evaluated: 2024-03-06. Review status: criteria provided, single submitter. Criteria: ACMG Guidelines, 2015. Collection method: clinical testing. Allele origin: germline.
Comment: This missense variant replaces cysteine with tyrosine at codon 66 of the BARD1 protein. Computational prediction suggests that this variant may have deleterious impact on protein structure and function (internally defined REVEL score threshold >= 0.7, PMID: 27666373). To our knowledge, functional studies have not been reported for this variant. This variant has not been reported in individuals affected with hereditary cancer in the literature. This variant has not been identified in the general population by the Genome Aggregation Database (gnomAD). The available evidence is insufficient to determine the role of this variant in disease conclusively. Therefore, this variant is classified as a Variant of Uncertain Significance.

NM_000465.4(BARD1):c.197G>A (p.Cys66Tyr)

Gene: BARD1 (BRCA1 associated RING domain 1; minus strand). Cytogenetic location: 2q35.
Variant type: single nucleotide variant.
Coding change: c.197G>A on transcript NM_000465.4 (MANE Select); coding-DNA position 197, G replaced by A.
Protein change: p.Cys66Tyr; replaces cysteine 66 with tyrosine.
Molecular consequence: missense variant. On other transcripts: non-coding transcript variant (2), intron variant (2).
Genome position (GRCh38, 1-based): chr2:214,797,079, C>T on the plus strand (G>A on the coding strand, the complement: BARD1 is on the minus strand). VCF-style: chr2-214797079-C-T. GRCh37 (hg19) VCF-style: chr2-215661803-C-T.
Other names: c.197G>A, p.Cys66Tyr (NM_001282545.2, NM_001282549.2); c.158+12333G>A (NM_001282548.2); c.159-4634G>A (NM_001282543.2); c.197G>A (NM_000465.2); short protein forms C66Y.
Identifiers: ClinVar variation 1332404 (VCV001332404.4), dbSNP rs2106145581, ClinGen allele CA350462200.